The following is an entry in ClinVar:

ClinVar aggregate classification (germline): Pathogenic. Review status: criteria provided, multiple submitters, no conflicts (2 of 4 stars). 5 submissions from 5 submitters: Pathogenic (4). 1 of the submissions does not count toward it. Last evaluated 2023-10-05.

Conditions:
Niemann-Pick disease, type C1. Also called: NIEMANN-PICK DISEASE, VARIANT TYPE C1; NEUROVISCERAL STORAGE DISEASE WITH VERTICAL SUPRANUCLEAR OPHTHALMOPLEGIA; NIEMANN-PICK DISEASE WITH CHOLESTEROL ESTERIFICATION BLOCK; NIEMANN-PICK DISEASE WITHOUT SPHINGOMYELINASE DEFICIENCY; NIEMANN-PICK DISEASE, CHRONIC NEURONOPATHIC FORM. Identifiers: Orphanet 646, MedGen C3179455, MONDO:0009757, OMIM 257220.
Niemann-Pick disease, type C (NPC). Identifiers: Orphanet 646, MedGen C0220756, MONDO:0018982.

Submissions (5):

Labcorp Genetics (formerly Invitae), Labcorp
Classification: Pathogenic for Niemann-Pick disease, type C1. Last evaluated: 2023-10-05. Review status: criteria provided, single submitter. Criteria: Invitae Variant Classification Sherloc (09022015). Collection method: clinical testing. Allele origin: germline.
Comment: This sequence change creates a premature translational stop signal (p.Pro543Argfs*20) in the NPC1 gene. It is expected to result in an absent or disrupted protein product. Loss-of-function variants in NPC1 are known to be pathogenic (PMID: 9211850). This variant is not present in population databases (gnomAD no frequency). This premature translational stop signal has been observed in individual(s) with Niemann-Pick disease type C (PMID: 11349231, 28666962). ClinVar contains an entry for this variant (Variation ID: 556403). For these reasons, this variant has been classified as Pathogenic.

Women's Health and Genetics/Laboratory Corporation of America, LabCorp
Classification: Pathogenic for Niemann-Pick disease, type C. Last evaluated: 2021-09-26. Review status: criteria provided, single submitter. Criteria: LabCorp Variant Classification Summary - May 2015. Collection method: clinical testing. Allele origin: germline.
Comment: Variant summary: NPC1 c.1628delC (p.Pro543ArgfsX20) results in a premature termination codon, predicted to cause a truncation of the encoded protein or absence of the protein due to nonsense mediated decay, which are commonly known mechanisms for disease. Truncations downstream of this position have been classified as pathogenic by our laboratory. The variant was absent in 251230 control chromosomes. c.1628delC has been reported in the literature as a compound heterozygous and homozygous genotype in individuals affected with Niemann-Pick Disease Type C (example, Sun_2001). At least one publication reports experimental evidence evaluating an impact on protein function. The most pronounced variant effect results in complete absence of esterification of LDL-derived cholesterol in a homozygous patient derived cell line (example, Sun_2001). Two clinical diagnostic laboratories have submitted clinical-significance assessments for this variant to ClinVar after 2014 without evidence for independent evaluation. All laboratories classified the variant as pathogenic. Based on the evidence outlined above, the variant was classified as pathogenic.

Eurofins Ntd Llc (ga)
Classification: Pathogenic. Last evaluated: 2017-10-11. Review status: criteria provided, single submitter. Criteria: EGL Classification Definitions 2015. Collection method: clinical testing. Allele origin: germline. Observed: 1 variant allele, 1 homozygote.

CENTOGENE GmbH and LLC - Guiding Precision Medicine
Classification: Pathogenic for Niemann-Pick disease, type C1. Review status: criteria provided, single submitter. Criteria: ACMG Guidelines, 2015. Collection method: clinical testing. Allele origin: germline. Affected: yes.

Counsyl
Classification: Pathogenic for Niemann-Pick disease, type C1. Last evaluated: 2018-01-30. Review status: no assertion criteria provided. Collection method: clinical testing. Allele origin: unknown. Not counted in ClinVar's aggregate classification.

Literature cited by the submitters: PubMed 9211850 (cited by Labcorp Genetics (formerly Invitae), Labcorp); PubMed 11349231 (cited by 3 submitters); PubMed 28666962 (cited by Labcorp Genetics (formerly Invitae), Labcorp); PubMed 12719428 (cited by Women's Health and Genetics/Laboratory Corporation of America, LabCorp and Counsyl); PubMed 27923633 (cited by Women's Health and Genetics/Laboratory Corporation of America, LabCorp); PubMed 32860008 (cited by CENTOGENE GmbH and LLC - Guiding Precision Medicine).

NM_000271.5(NPC1):c.1628del (p.Pro543fs)

Gene: NPC1 (NPC intracellular cholesterol transporter 1; minus strand). Cytogenetic location: 18q11.2.
Variant type: Deletion.
Coding change: c.1628del on transcript NM_000271.5 (MANE Select); coding-DNA position 1628, one base deleted (C; older notation c.1628delC).
Protein change: p.Pro543fs; shifts the reading frame from proline 543.
Molecular consequence: frameshift variant.
Genome position (GRCh38, 1-based): chr18:23,551,653, G deleted on the plus strand (C on the coding strand, the reverse complement: NPC1 is on the minus strand); the first of 3 consecutive G bases (chr18:23,551,653-23,551,655); deleting any one gives the same sequence. VCF-style (leftmost placement, unchanged base first): chr18-23551652-CG-C. GRCh37 (hg19) VCF-style: chr18-21131616-CG-C.
Other names: c.1628del (NM_000271.4); short protein forms P543fs.
Identifiers: ClinVar variation 556403 (VCV000556403.11), dbSNP rs1555635957, ClinGen allele CA658823786.
Genomic context (GRCh38, chr18:23,551,652, plus strand): 5'-ATCTAAAAGGAAAAGTCAAAGCTTCTCTTACTTACCATCATAGCCTCCCAACACAAGCCA[CG>C]GGAACACTGGTCCACCAAACGTACCCAGACAAGGGTCATGGAGCAAACTTGTATCATTCA-3'